The following is an entry in ClinVar:

ClinVar aggregate classification (germline): Uncertain significance (1 of 4 stars; one submission).

Submission:

Labcorp Genetics (formerly Invitae), Labcorp
Classification: Uncertain significance. Last evaluated: 2020-03-26. Review status: criteria provided, single submitter. Criteria: Invitae Variant Classification Sherloc (09022015). Collection method: clinical testing. Allele origin: germline.
Comment: This sequence change replaces threonine with serine at codon 324 of the CEP78 protein (p.Thr324Ser). The threonine residue is moderately conserved and there is a small physicochemical difference between threonine and serine. This variant is not present in population databases (ExAC no frequency). This variant has not been reported in the literature in individuals with CEP78-related conditions. Algorithms developed to predict the effect of missense changes on protein structure and function output the following: SIFT: "Tolerated"; PolyPhen-2: "Probably Damaging"; Align-GVGD: "Class C0". The serine amino acid residue is found in multiple mammalian species, suggesting that this missense change does not adversely affect protein function. These predictions have not been confirmed by published functional studies and their clinical significance is uncertain. In summary, the available evidence is currently insufficient to determine the role of this variant in disease. Therefore, it has been classified as a Variant of Uncertain Significance.

NM_001330691.3(CEP78):c.971C>G (p.Thr324Ser)

Gene: CEP78 (centrosomal protein 78; plus strand). Cytogenetic location: 9q21.2.
Variant type: single nucleotide variant.
Coding change: c.971C>G on transcript NM_001330691.3 (MANE Select); coding-DNA position 971, C replaced by G.
Protein change: p.Thr324Ser; replaces threonine 324 with serine.
Molecular consequence: missense variant.
Genome position (GRCh38, 1-based): chr9:78,248,775, C>G. VCF-style: chr9-78248775-C-G. GRCh37 (hg19) VCF-style: chr9-80863691-C-G.
Other names: c.971C>G, p.Thr324Ser (NM_001098802.3, NM_001330693.3, NM_001330694.2 and 4 more transcripts); short protein forms T324S.
Identifiers: ClinVar variation 861351 (VCV000861351.10), dbSNP rs1227962854, ClinGen allele CA373857635.
Genomic context (GRCh38, chr9:78,248,775, plus strand): 5'-ATAAATGATCTGTAACTGAAATATAGTGTTTATTCTGTCTCTTTTAGTACCAGTGGATAA[C>G]TTCTCCATCAGTGAAGGAACCATCCAAAACTGCTAAACAGAAAAGGAGAACTATAATTCT-3'
Protein context (NP_001317620.1, residues 314-334): RSAKSEYQWI[Thr324Ser]SPSVKEPSKT